The following is an entry in ClinVar:

NM_014845.6(FIG4):c.2031C>G (p.Phe677Leu)

Gene: FIG4 (FIG4 phosphoinositide 5-phosphatase; plus strand). Cytogenetic location: 6q21.
Variant type: single nucleotide variant.
Coding change: c.2031C>G on transcript NM_014845.6 (MANE Select); coding-DNA position 2031, C replaced by G.
Protein change: p.Phe677Leu; replaces phenylalanine 677 with leucine.
Molecular consequence: missense variant.
Genome position (GRCh38, 1-based): chr6:109,786,384, C>G. VCF-style: chr6-109786384-C-G. GRCh37 (hg19) VCF-style: chr6-110107587-C-G.
Other names: short protein forms F677L.
Identifiers: ClinVar variation 1974550 (VCV001974550.5), dbSNP rs1468336267, ClinGen allele CA365231883.

ClinVar aggregate classification (germline): Uncertain significance (1 of 4 stars; one submission).

Conditions:
Charcot-Marie-Tooth disease type 4. Also called: Charcot-Marie-Tooth disease, type IV; Charcot-Marie-Tooth, Type 4. Identifiers: Orphanet 64749, MedGen C4082197, MONDO:0018995.

Allele frequency attached by ClinVar (database versions not stated): gnomAD 0.00001.
gnomAD v4.1: 1 of 1,613,848 alleles (0.000062%); highest among the groups gnomAD compares: Non-Finnish European, 0.000085%; no homozygotes.

Submission:

Labcorp Genetics (formerly Invitae), Labcorp
Classification: Uncertain significance for Charcot-Marie-Tooth disease type 4. Last evaluated: 2022-06-02. Review status: criteria provided, single submitter. Criteria: Invitae Variant Classification Sherloc (09022015). Collection method: clinical testing. Allele origin: germline.
Comment: In summary, the available evidence is currently insufficient to determine the role of this variant in disease. Therefore, it has been classified as a Variant of Uncertain Significance. Algorithms developed to predict the effect of missense changes on protein structure and function are either unavailable or do not agree on the potential impact of this missense change (SIFT: "Deleterious"; PolyPhen-2: "Benign"; Align-GVGD: "Class C0"). This variant has not been reported in the literature in individuals affected with FIG4-related conditions. This variant is not present in population databases (gnomAD no frequency). This sequence change replaces phenylalanine, which is neutral and non-polar, with leucine, which is neutral and non-polar, at codon 677 of the FIG4 protein (p.Phe677Leu).